The following is an entry in ClinVar:

ClinVar aggregate classification (germline): Uncertain significance (1 of 4 stars; one submission).

Conditions:
SCLT1-related disorder. Also called: SCLT1-related condition.

gnomAD v4.1: 5 of 1,609,054 alleles (0.00031%); highest among the groups gnomAD compares: African/African-American, 0.0053%; no homozygotes.

Submission:

PreventionGenetics, part of Exact Sciences
Classification: Uncertain significance for SCLT1-related condition. Last evaluated: 2026-06-02. Review status: criteria provided, single submitter. Criteria: ACMG Guidelines, 2015. Collection method: clinical testing. Allele origin: germline.
Comment: The SCLT1 c.1357T>G variant is predicted to result in the amino acid substitution p.Phe453Val. To our knowledge, this variant has not been reported in the literature. This variant is reported in 0.0029% of alleles in individuals of Latino descent in gnomAD. At this time, the clinical significance of this variant is uncertain due to the absence of conclusive functional and genetic evidence.

NM_144643.4(SCLT1):c.1357T>G (p.Phe453Val)

Gene: SCLT1 (sodium channel and clathrin linker 1; minus strand). Cytogenetic location: 4q28.2.
Variant type: single nucleotide variant.
Coding change: c.1357T>G on transcript NM_144643.4 (MANE Select); coding-DNA position 1357, T replaced by G.
Protein change: p.Phe453Val; replaces phenylalanine 453 with valine.
Molecular consequence: missense variant.
Genome position (GRCh38, 1-based): chr4:128,946,089, A>C on the plus strand (T>G on the coding strand, the complement: SCLT1 is on the minus strand). VCF-style: chr4-128946089-A-C. GRCh37 (hg19) VCF-style: chr4-129867244-A-C.
Other names: c.1357T>G, p.Phe453Val (NM_001410807.1); short protein forms F453V.
Identifiers: ClinVar variation 4979258 (VCV004979258.1).